The following is an entry in ClinVar:

NM_005422.4(TECTA):c.4275C>G (p.Cys1425Trp)

Genes: TBCEL-TECTA (TBCEL-TECTA readthrough; plus strand), TECTA (tectorin alpha; plus strand). Cytogenetic location: 11q23.3.
Variant type: single nucleotide variant.
Coding change: c.4275C>G on transcript NM_005422.4 (MANE Select); coding-DNA position 4275, C replaced by G.
Protein change: p.Cys1425Trp; replaces cysteine 1425 with tryptophan.
Molecular consequence: missense variant.
Genome position (GRCh38, 1-based): chr11:121,153,050, C>G. VCF-style: chr11-121153050-C-G. GRCh37 (hg19) VCF-style: chr11-121023759-C-G.
Other names: c.5232C>G, p.Cys1744Trp (NM_001378761.1); short protein forms C1425W, C1744W.
Identifiers: ClinVar variation 1304265 (VCV001304265.4), dbSNP rs769528740, ClinGen allele CA383025539.
Genomic context (GRCh38, chr11:121,153,050, plus strand): 5'-CTGTCACTGCGACGCTGGCTACGTCCTCAACGGCAAGAGCTGCATCCTGCCCCACAGCTG[C>G]GGCTGCTACTCCGATGGCAAATATTACGAGGTATGGGAGGCCAGCCCGGCCTTTTCCTCC-3'
Protein context (NP_005413.2, residues 1415-1435): NGKSCILPHS[Cys1425Trp]GCYSDGKYYE

ClinVar aggregate classification (germline): Uncertain significance. Review status: criteria provided, multiple submitters, no conflicts (2 of 4 stars). 3 submissions from 3 submitters: Uncertain significance (2). 1 of the submissions does not count toward it. Last evaluated 2024-06-04.

Conditions:
Autosomal dominant nonsyndromic hearing loss 12. Also called: DEAFNESS, AUTOSOMAL DOMINANT 8. Identifiers: Orphanet 90635, MedGen C1832187, MONDO:0011102, OMIM 601543.

Submissions (3):

Blueprint Genetics
Classification: Uncertain significance. Last evaluated: 2024-06-04. Review status: criteria provided, single submitter. Criteria: ACMG Guidelines, 2015. Collection method: clinical testing. Allele origin: germline.

GeneDx
Classification: Uncertain significance. Last evaluated: 2019-01-24. Review status: criteria provided, single submitter. Criteria: GeneDx Variant Classification Process June 2021. Collection method: clinical testing. Allele origin: germline. Affected: yes.
Comment: Not observed in large population cohorts (Lek et al., 2016); In silico analysis, which includes protein predictors and evolutionary conservation, supports a deleterious effect; Has not been previously published as pathogenic or benign to our knowledge

Molecular Genetics Laboratory, BC Children's and BC Women's Hospitals
Classification: Uncertain significance for Autosomal dominant nonsyndromic hearing loss 12. Last evaluated: 2026-01-16. Review status: no assertion criteria provided. Criteria: ACMG Guidelines, 2015. Collection method: clinical testing. Allele origin: unknown. Affected: yes. Not counted in ClinVar's aggregate classification.